The following is an entry in ClinVar:

NM_000553.6(WRN):c.3581C>T (p.Thr1194Met)

Gene: WRN (WRN RecQ like helicase; plus strand). Cytogenetic location: 8p12.
Variant type: single nucleotide variant.
Coding change: c.3581C>T on transcript NM_000553.6 (MANE Select); coding-DNA position 3581, C replaced by T.
Protein change: p.Thr1194Met; replaces threonine 1194 with methionine.
Molecular consequence: missense variant.
Genome position (GRCh38, 1-based): chr8:31,150,349, C>T. VCF-style: chr8-31150349-C-T. GRCh37 (hg19) VCF-style: chr8-31007865-C-T.
Other names: short protein forms T1194M.
Identifiers: ClinVar variation 582718 (VCV000582718.9), dbSNP rs376068344, ClinGen allele CA4705122.

ClinVar aggregate classification (germline): Uncertain significance. Review status: criteria provided, multiple submitters, no conflicts (2 of 4 stars). 2 submissions from 2 submitters: Uncertain significance (2). Last evaluated 2025-11-12.

Conditions:
Werner syndrome (WRN). Identifiers: Orphanet 902, MedGen C0043119, MONDO:0010196, OMIM 277700.
Inborn genetic diseases. Identifiers: MedGen C0950123, MeSH D030342.

Allele frequency attached by ClinVar (database versions not stated): gnomAD exomes 0.00002 and 0.00004; ExAC 0.00004; gnomAD 0.00007; TOPMed 0.00007; ESP Exome Variant Server 0.00008.

Submissions (2):

Ambry Genetics
Classification: Uncertain significance for Inborn genetic diseases. Last evaluated: 2025-11-12. Review status: criteria provided, single submitter. Criteria: Ambry Variant Classification Scheme 2023. Collection method: clinical testing. Allele origin: germline.

Labcorp Genetics (formerly Invitae), Labcorp
Classification: Uncertain significance for Werner syndrome. Last evaluated: 2025-03-19. Review status: criteria provided, single submitter. Criteria: Invitae Variant Classification Sherloc (09022015). Collection method: clinical testing. Allele origin: germline.
Comment: This sequence change replaces threonine, which is neutral and polar, with methionine, which is neutral and non-polar, at codon 1194 of the WRN protein (p.Thr1194Met). This variant is present in population databases (rs376068344, gnomAD 0.008%). This variant has not been reported in the literature in individuals affected with WRN-related conditions. ClinVar contains an entry for this variant (Variation ID: 582718). An algorithm developed to predict the effect of missense changes on protein structure and function (PolyPhen-2) suggests that this variant is likely to be disruptive. In summary, the available evidence is currently insufficient to determine the role of this variant in disease. Therefore, it has been classified as a Variant of Uncertain Significance.